The following is an entry in ClinVar:

NM_033409.4(SLC52A3):c.1201G>A (p.Ala401Thr)

Gene: SLC52A3 (solute carrier family 52 member 3; minus strand). Cytogenetic location: 20p13.
Variant type: single nucleotide variant.
Coding change: c.1201G>A on transcript NM_033409.4 (MANE Select); coding-DNA position 1201, G replaced by A.
Protein change: p.Ala401Thr; replaces alanine 401 with threonine.
Molecular consequence: missense variant.
Genome position (GRCh38, 1-based): chr20:761,235, C>T on the plus strand (G>A on the coding strand, the complement: SLC52A3 is on the minus strand). VCF-style: chr20-761235-C-T. GRCh37 (hg19) VCF-style: chr20-741879-C-T.
Other names: c.1201G>A, p.Ala401Thr (NM_001370085.1, NM_001370086.1); short protein forms A401T.
Identifiers: ClinVar variation 581822 (VCV000581822.10), dbSNP rs544612142, ClinGen allele CA9724543.
Genomic context (GRCh38, chr20:761,235, plus strand): 5'-GGACCACGCCCAGCATCACCTTGACGTAACTGAGGCAGCCGCTGAAAAGCACCCACGAGG[C>T]CACCTGCGGGGCCGGGAGGGAAGAGGTGCAGAGTCACGGGGCTTGCGGGGCGAGCGCCGG-3'
Protein context (NP_212134.3, residues 391-411): GHWGGEVLIV[Ala401Thr]SWVLFSGCLS

ClinVar aggregate classification (germline): Uncertain significance. Review status: criteria provided, multiple submitters, no conflicts (2 of 4 stars). 3 submissions from 3 submitters: Uncertain significance (3). Last evaluated 2026-09-11.

Conditions:
Brown-Vialetto-van Laere syndrome 1. Also called: BROWN-VIALETTO-VAN LAERE SYNDROME 1, MILD; PONTOBULBAR PALSY WITH DEAFNESS; BULBAR PALSY, PROGRESSIVE, WITH SENSORINEURAL DEAFNESS. Identifiers: Orphanet 572550, Orphanet 97229, MedGen C0796274, MONDO:0024537, OMIM 211530.
Inborn genetic diseases. Identifiers: MedGen C0950123, MeSH D030342.
SLC52A3-related disorder. Also called: SLC52A3-related condition.

Allele frequency attached by ClinVar (database versions not stated): ExAC below 0.00001; gnomAD 0.00002 and 0.00001; 1000 Genomes Project 30x 0.00016; 1000 Genomes Project 0.00020; TOPMed 0.00006.
gnomAD v4.1: 60 of 1,548,398 alleles (0.0039%); highest among the groups gnomAD compares: East Asian, 0.13%; no homozygotes.

Submissions (3):

PreventionGenetics, part of Exact Sciences
Classification: Uncertain significance for SLC52A3-related condition. Last evaluated: 2026-09-11. Review status: criteria provided, single submitter. Criteria: ACMG Guidelines, 2015. Collection method: clinical testing. Allele origin: germline.
Comment: The SLC52A3 c.1201G>A variant is predicted to result in the amino acid substitution p.Ala401Thr. To our knowledge, this variant has not been reported in the literature. This variant is reported in 0.14% of alleles in individuals of East Asian descent in gnomAD. Although we suspect that this variant may be benign, at this time, the clinical significance of this variant is uncertain due to the absence of conclusive functional and genetic evidence.

Ambry Genetics
Classification: Uncertain significance for Inborn genetic diseases. Last evaluated: 2024-06-30. Review status: criteria provided, single submitter. Criteria: Ambry Variant Classification Scheme 2023. Collection method: clinical testing. Allele origin: germline.

Labcorp Genetics (formerly Invitae), Labcorp
Classification: Uncertain significance for Brown-Vialetto-van Laere syndrome 1. Last evaluated: 2022-03-03. Review status: criteria provided, single submitter. Criteria: Invitae Variant Classification Sherloc (09022015). Collection method: clinical testing. Allele origin: germline.
Comment: This sequence change replaces alanine, which is neutral and non-polar, with threonine, which is neutral and polar, at codon 401 of the SLC52A3 protein (p.Ala401Thr). This variant is present in population databases (rs544612142, gnomAD 0.1%). This variant has not been reported in the literature in individuals affected with SLC52A3-related conditions. ClinVar contains an entry for this variant (Variation ID: 581822). Algorithms developed to predict the effect of missense changes on protein structure and function output the following: SIFT: "Tolerated"; PolyPhen-2: "Benign"; Align-GVGD: "Class C0". The threonine amino acid residue is found in multiple mammalian species, which suggests that this missense change does not adversely affect protein function. Algorithms developed to predict the effect of sequence changes on RNA splicing suggest that this variant may create or strengthen a splice site. In summary, the available evidence is currently insufficient to determine the role of this variant in disease. Therefore, it has been classified as a Variant of Uncertain Significance.